The following is an entry in ClinVar:

NM_001365999.1(SZT2):c.8255G>A (p.Arg2752His)

Gene: SZT2 (SZT2 subunit of KICSTOR complex; plus strand). Cytogenetic location: 1p34.2.
Variant type: single nucleotide variant.
Coding change: c.8255G>A on transcript NM_001365999.1 (MANE Select); coding-DNA position 8255, G replaced by A.
Protein change: p.Arg2752His; replaces arginine 2752 with histidine.
Molecular consequence: missense variant.
Genome position (GRCh38, 1-based): chr1:43,442,922, G>A. VCF-style: chr1-43442922-G-A. GRCh37 (hg19) VCF-style: chr1-43908593-G-A.
Other names: c.8084G>A, p.Arg2695His (NM_015284.4); short protein forms R2695H, R2752H.
Identifiers: ClinVar variation 546597 (VCV000546597.60), dbSNP rs150591561, ClinGen allele CA810498.
Genomic context (GRCh38, chr1:43,442,922, plus strand): 5'-TCATCCGGAGTGCAAGTCCCCCGCTGAGCCGTGAGCAGGGCCGACTGAGTGGGTCCTCTC[G>A]TGGTGGGGGTCCTCTTCCCCTGGACACATTCCCCTTTGACGAGGCCCTAAGGGATATCAC-3'
Protein context (NP_001352928.1, residues 2742-2762): REQGRLSGSS[Arg2752His]GGGPLPLDTF

ClinVar aggregate classification (germline): Likely benign. Review status: criteria provided, multiple submitters, no conflicts (2 of 4 stars). 6 submissions from 6 submitters: Likely benign (5). 1 of the submissions does not count toward it. Last evaluated 2026-01-12.

Conditions:
SZT2-related disorder. Also called: SZT2-related condition.
Inborn genetic diseases. Identifiers: MedGen C0950123, MeSH D030342.

Allele frequency attached by ClinVar (database versions not stated): TOPMed 0.00008; gnomAD 0.00013 and 0.00028; ESP Exome Variant Server 0.00015; ExAC 0.00075; 1000 Genomes Project 0.00080; gnomAD exomes 0.00080; 1000 Genomes Project 30x 0.00094.
gnomAD v4.1: 697 of 1,614,106 alleles (0.043%); highest among the groups gnomAD compares: South Asian, 0.52%; 8 homozygotes.

Submissions (6):

Labcorp Genetics (formerly Invitae), Labcorp
Classification: Likely benign. Last evaluated: 2026-01-12. Review status: criteria provided, single submitter. Criteria: Invitae Variant Classification Sherloc (09022015). Collection method: clinical testing. Allele origin: germline.

CeGaT Center for Human Genetics Tuebingen
Classification: Likely benign. Last evaluated: 2025-08-01. Review status: criteria provided, single submitter. Criteria: CeGaT Center For Human Genetics Tuebingen Variant Classification Criteria Version 2. Collection method: clinical testing. Allele origin: germline. Affected: yes. Observed: 5 variant alleles.
Comment: SZT2: BS2

Blueprint Genetics
Classification: Likely benign. Last evaluated: 2024-11-01. Review status: criteria provided, single submitter. Criteria: ACMG Guidelines, 2015. Collection method: clinical testing. Allele origin: germline.

Ambry Genetics
Classification: Likely benign for Inborn genetic diseases. Last evaluated: 2023-11-20. Review status: criteria provided, single submitter. Criteria: Ambry Variant Classification Scheme 2023. Collection method: clinical testing. Allele origin: germline.

GeneDx
Classification: Likely benign. Last evaluated: 2021-05-03. Review status: criteria provided, single submitter. Criteria: GeneDx Variant Classification Process June 2021. Collection method: clinical testing. Allele origin: germline. Affected: yes.

PreventionGenetics, part of Exact Sciences
Classification: Likely benign for SZT2-related condition. Last evaluated: 2023-03-20. Review status: no assertion criteria provided. Collection method: clinical testing. Allele origin: germline. Not counted in ClinVar's aggregate classification.
Comment: This variant is classified as likely benign based on ACMG/AMP sequence variant interpretation guidelines (Richards et al. 2015 PMID: 25741868, with internal and published modifications).